The following is an entry in ClinVar:

ClinVar aggregate classification (germline): Conflicting classifications of pathogenicity. Review status: criteria provided, conflicting classifications (1 of 4 stars). 6 submissions from 6 submitters: Uncertain significance (5); Likely benign (1). Last evaluated 2025-07-13.

Conditions:
Familial adenomatous polyposis 1 (FAP1). Also called: FAMILIAL ADENOMATOUS POLYPOSIS 1, ATTENUATED; POLYPOSIS, ADENOMATOUS INTESTINAL. Identifiers: MedGen C2713442, MONDO:0021056, OMIM 175100. Disease mechanism: loss of function.
Hereditary cancer-predisposing syndrome. Also called: Hereditary neoplastic syndrome; Tumor predisposition; Neoplastic Syndromes, Hereditary; Hereditary Cancer Syndrome. Identifiers: Orphanet 140162, MedGen C0027672, MeSH D009386, MONDO:0015356.

Allele frequency attached by ClinVar (database versions not stated): TOPMed below 0.00001; gnomAD 0.00001; ExAC 0.00003; gnomAD exomes 0.00003.
gnomAD v4.1: 21 of 1,613,996 alleles (0.0013%); highest among the groups gnomAD compares: Non-Finnish European, 0.0012%; no homozygotes.

Submissions (6):

Labcorp Genetics (formerly Invitae), Labcorp
Classification: Uncertain significance for Familial adenomatous polyposis 1. Last evaluated: 2025-07-13. Review status: criteria provided, single submitter. Criteria: Invitae Variant Classification Sherloc (09022015). Collection method: clinical testing. Allele origin: germline.
Comment: This sequence change replaces glycine, which is neutral and non-polar, with valine, which is neutral and non-polar, at codon 122 of the APC protein (p.Gly122Val). This variant is present in population databases (rs755660899, gnomAD 0.01%). This variant has not been reported in the literature in individuals affected with APC-related conditions. ClinVar contains an entry for this variant (Variation ID: 482299). Invitae Evidence Modeling of protein sequence and biophysical properties (such as structural, functional, and spatial information, amino acid conservation, physicochemical variation, residue mobility, and thermodynamic stability) indicates that this missense variant is not expected to disrupt APC protein function with a negative predictive value of 95%. In summary, the available evidence is currently insufficient to determine the role of this variant in disease. Therefore, it has been classified as a Variant of Uncertain Significance.

Color Diagnostics, LLC DBA Color Health
Classification: Uncertain significance for Hereditary cancer-predisposing syndrome. Last evaluated: 2023-11-22. Review status: criteria provided, single submitter. Criteria: ACMG Guidelines, 2015. Collection method: clinical testing. Allele origin: germline.
Comment: This missense variant replaces glycine with valine at codon 122 of the APC protein. Computational prediction suggests that this variant may not impact protein structure and function (internally defined REVEL score threshold <= 0.5, PMID: 27666373). To our knowledge, functional studies have not been reported for this variant. This variant has not been reported in individuals affected with APC-related disorders in the literature. This variant has been identified in 10/282858 chromosomes in the general population by the Genome Aggregation Database (gnomAD). The available evidence is insufficient to determine the role of this variant in disease conclusively. Therefore, this variant is classified as a Variant of Uncertain Significance.

Ambry Genetics
Classification: Likely benign for Hereditary cancer-predisposing syndrome. Last evaluated: 2023-03-07. Review status: criteria provided, single submitter. Criteria: Ambry Variant Classification Scheme 2023. Collection method: clinical testing. Allele origin: germline.

GeneDx
Classification: Uncertain significance. Last evaluated: 2022-05-26. Review status: criteria provided, single submitter. Criteria: GeneDx Variant Classification Process June 2021. Collection method: clinical testing. Allele origin: germline. Affected: yes.
Comment: In silico analysis supports that this missense variant has a deleterious effect on protein structure/function; Has not been previously published as pathogenic or benign to our knowledge

Blueprint Genetics
Classification: Uncertain significance. Last evaluated: 2022-04-29. Review status: criteria provided, single submitter. Criteria: ACMG Guidelines, 2015. Collection method: clinical testing. Allele origin: germline.

CeGaT Center for Human Genetics Tuebingen
Classification: Uncertain significance. Last evaluated: 2021-12-01. Review status: criteria provided, single submitter. Criteria: CeGaT Center For Human Genetics Tuebingen Variant Classification Criteria Version 2. Collection method: clinical testing. Allele origin: germline. Affected: yes. Observed: 1 variant allele.

Literature cited by the submitters: PubMed 29684080 (cited by Ambry Genetics).

NM_000038.6(APC):c.365G>T (p.Gly122Val)

Gene: APC (APC regulator of Wnt signaling pathway; plus strand). Cytogenetic location: 5q22.2.
Variant type: single nucleotide variant.
Coding change: c.365G>T on transcript NM_000038.6 (MANE Select); coding-DNA position 365, G replaced by T.
Protein change: p.Gly122Val; replaces glycine 122 with valine.
Molecular consequence: missense variant. On other transcripts: 5 prime UTR variant (1).
Genome position (GRCh38, 1-based): chr5:112,767,333, G>T. VCF-style: chr5-112767333-G-T. GRCh37 (hg19) VCF-style: chr5-112103030-G-T.
Other names: c.365G>T, p.Gly122Val (NM_001127510.3, NM_001354895.2, NM_001354896.2 and 2 more transcripts); c.395G>T, p.Gly132Val (NM_001127511.3, NM_001354897.2, NM_001354902.2); c.290G>T, p.Gly97Val (NM_001354898.2, NM_001354904.2); c.188G>T, p.Gly63Val (NM_001354900.2, NM_001354901.2, NM_001354905.2); c.-671G>T (NM_001354906.2); short protein forms G132V, G122V, G63V, G97V.
Identifiers: ClinVar variation 482299 (VCV000482299.57), dbSNP rs755660899, ClinGen allele CA036174.